The following is an entry in ClinVar:

NM_000147.5(FUCA1):c.970-214C>T

Gene: FUCA1 (alpha-L-fucosidase 1; minus strand). Cytogenetic location: 1p36.11.
Variant type: single nucleotide variant.
Coding change: c.970-214C>T on transcript NM_000147.5 (MANE Select); 214 bases into the intron before coding-DNA position 970, C replaced by T.
Molecular consequence: intron variant.
Genome position (GRCh38, 1-based): chr1:23,849,053, G>A on the plus strand (C>T on the coding strand, the complement: FUCA1 is on the minus strand). VCF-style: chr1-23849053-G-A. GRCh37 (hg19) VCF-style: chr1-24175543-G-A.
Identifiers: ClinVar variation 674234 (VCV000674234.1), dbSNP rs181738723, ClinGen allele CA19323060.

ClinVar aggregate classification (germline): Likely benign (1 of 4 stars; one submission).

Allele frequency attached by ClinVar (database versions not stated): gnomAD 0.00964 and 0.01031; TOPMed 0.01025; 1000 Genomes Project 30x 0.01093; 1000 Genomes Project 0.01098.
gnomAD v4.1: 1,441 of 151,580 alleles (0.95%); highest among the groups gnomAD compares: African/African-American, 3%; 24 homozygotes.

Submission:

GeneDx
Classification: Likely benign. Last evaluated: 2018-06-19. Review status: criteria provided, single submitter. Criteria: GeneDx Variant Classification (06012015). Collection method: clinical testing. Allele origin: germline. Affected: yes.
Comment: This variant is considered likely benign or benign based on one or more of the following criteria: it is a conservative change, it occurs at a poorly conserved position in the protein, it is predicted to be benign by multiple in silico algorithms, and/or has population frequency not consistent with disease.